The following is an entry in ClinVar:

ClinVar aggregate classification (germline): Uncertain significance (1 of 4 stars; one submission).

Conditions:
RIPK4-related disorder. Also called: RIPK4-related condition.

gnomAD v4.1: 125 of 1,609,144 alleles (0.0078%); highest among the groups gnomAD compares: Middle Eastern, 0.016%; no homozygotes.

Submission:

PreventionGenetics, part of Exact Sciences
Classification: Uncertain significance for RIPK4-related condition. Last evaluated: 2025-07-16. Review status: criteria provided, single submitter. Criteria: ACMG Guidelines, 2015. Collection method: clinical testing. Allele origin: germline.
Comment: The RIPK4 c.1975C>T variant is predicted to result in the amino acid substitution p.Arg659Trp. To our knowledge, this variant has not been reported in the literature. This variant is reported in 0.0064% of alleles in individuals of European (Non-Finnish) descent in gnomAD. At this time, the clinical significance of this variant is uncertain due to the absence of conclusive functional and genetic evidence.

NM_020639.3(RIPK4):c.1975C>T (p.Arg659Trp)

Gene: RIPK4 (receptor interacting serine/threonine kinase 4; minus strand). Cytogenetic location: 21q22.3.
Variant type: single nucleotide variant.
Coding change: c.1975C>T on transcript NM_020639.3 (MANE Select); coding-DNA position 1975, C replaced by T.
Protein change: p.Arg659Trp; replaces arginine 659 with tryptophan.
Molecular consequence: missense variant.
Genome position (GRCh38, 1-based): chr21:41,741,218, G>A on the plus strand (C>T on the coding strand, the complement: RIPK4 is on the minus strand). VCF-style: chr21-41741218-G-A. GRCh37 (hg19) VCF-style: chr21-43161378-G-A.
Other names: short protein forms R659W.
Identifiers: ClinVar variation 4978976 (VCV004978976.1).